The following is an entry in ClinVar:

ClinVar aggregate classification (germline): Uncertain significance (1 of 4 stars; one submission).

Conditions:
Combined oxidative phosphorylation defect type 17. Also called: Combined oxidative phosphorylation deficiency 17. Identifiers: Orphanet 369913, MedGen C3809526, MONDO:0014190, OMIM 615440.

gnomAD v4.1: 1 of 1,599,536 alleles (0.000063%); highest among the groups gnomAD compares: Non-Finnish European, 0.000085%; no homozygotes.

Submission:

Labcorp Genetics (formerly Invitae), Labcorp
Classification: Uncertain significance for Combined oxidative phosphorylation defect type 17. Last evaluated: 2024-03-13. Review status: criteria provided, single submitter. Criteria: Invitae Variant Classification Sherloc (09022015). Collection method: clinical testing. Allele origin: germline.
Comment: This sequence change replaces phenylalanine, which is neutral and non-polar, with cysteine, which is neutral and slightly polar, at codon 361 of the ELAC2 protein (p.Phe361Cys). This variant is not present in population databases (gnomAD no frequency). This variant has not been reported in the literature in individuals affected with ELAC2-related conditions. An algorithm developed to predict the effect of missense changes on protein structure and function (PolyPhen-2) suggests that this variant is likely to be disruptive. In summary, the available evidence is currently insufficient to determine the role of this variant in disease. Therefore, it has been classified as a Variant of Uncertain Significance.

NM_018127.7(ELAC2):c.1082T>G (p.Phe361Cys)

Gene: ELAC2 (elaC ribonuclease Z 2; minus strand). Cytogenetic location: 17p12.
Variant type: single nucleotide variant.
Coding change: c.1082T>G on transcript NM_018127.7 (MANE Select); coding-DNA position 1082, T replaced by G.
Protein change: p.Phe361Cys; replaces phenylalanine 361 with cysteine.
Molecular consequence: missense variant.
Genome position (GRCh38, 1-based): chr17:13,002,577, A>C on the plus strand (T>G on the coding strand, the complement: ELAC2 is on the minus strand). VCF-style: chr17-13002577-A-C. GRCh37 (hg19) VCF-style: chr17-12905894-A-C.
Other names: c.1082T>G, p.Phe361Cys (NM_173717.2); c.962T>G, p.Phe321Cys (NM_001165962.2); short protein forms F361C, F321C.
Identifiers: ClinVar variation 3633158 (VCV003633158.2).